The following is an entry in ClinVar:

NM_000535.7(PMS2):c.2276-12G>A

Gene: PMS2 (PMS1 homolog 2, mismatch repair system component; minus strand). Cytogenetic location: 7p22.1.
Variant type: single nucleotide variant.
Coding change: c.2276-12G>A on transcript NM_000535.7 (MANE Select); 12 bases into the intron before coding-DNA position 2276, G replaced by A.
Molecular consequence: intron variant. On other transcripts: missense variant (7).
Genome position (GRCh38, 1-based): chr7:5,977,769, C>T on the plus strand (G>A on the coding strand, the complement: PMS2 is on the minus strand). VCF-style: chr7-5977769-C-T. GRCh37 (hg19) VCF-style: chr7-6017400-C-T.
Other names: c.1892G>A, p.Cys631Tyr (NM_001322009.2, NM_001406887.1, NM_001406888.1); c.2297G>A, p.Cys766Tyr (NM_001322014.2); c.2141G>A, p.Cys714Tyr (NM_001406870.1); c.1988G>A, p.Cys663Tyr (NM_001406875.1); c.1979G>A, p.Cys660Tyr (NM_001406876.1); c.1958-12G>A (NM_001322008.2, NM_001322007.2); c.1715-12G>A (NM_001322010.2); c.1871-12G>A (NM_001322004.2, NM_001322003.2, NM_001322005.2); and 4 more; short protein forms C660Y, C631Y, C714Y, C663Y, C766Y.
Identifiers: ClinVar variation 2016204 (VCV002016204.5), dbSNP rs1238727737, ClinGen allele CA2580076811.

ClinVar aggregate classification (germline): Likely benign. Review status: criteria provided, multiple submitters, no conflicts (2 of 4 stars). 2 submissions from 2 submitters: Likely benign (2). Last evaluated 2025-02-03.

Conditions:
Hereditary nonpolyposis colorectal neoplasms. Identifiers: MedGen C0009405, MeSH D003123.
Lynch syndrome 4 (LYNCH4). Also called: Colorectal cancer, hereditary nonpolyposis, type 4; Hereditary non-polyposis colorectal cancer, type 4. Identifiers: Orphanet 144, MedGen C1838333, MONDO:0013699, OMIM 614337. Disease mechanism: loss of function.

Submissions (2):

Myriad Genetics, Inc.
Classification: Likely benign for Lynch syndrome 4. Last evaluated: 2025-02-03. Review status: criteria provided, single submitter. Criteria: Myriad Autosomal Dominant, Autosomal Recessive and X-Linked Classification Criteria (2023). Collection method: clinical testing. Allele origin: unknown.
Comment: This variant is considered likely benign. This variant is intronic and is not expected to impact mRNA splicing.

Labcorp Genetics (formerly Invitae), Labcorp
Classification: Likely benign for Hereditary nonpolyposis colorectal neoplasms. Last evaluated: 2022-10-15. Review status: criteria provided, single submitter. Criteria: Invitae Variant Classification Sherloc (09022015). Collection method: clinical testing. Allele origin: germline.